The following is an entry in ClinVar:

NM_001124758.3(SPNS2):c.1419C>A (p.Ala473=)

Gene: SPNS2 (SPNS lysolipid transporter 2, sphingosine-1-phosphate; plus strand). Cytogenetic location: 17p13.2.
Variant type: single nucleotide variant.
Coding change: c.1419C>A on transcript NM_001124758.3 (MANE Select); coding-DNA position 1419, C replaced by A.
Protein change: p.Ala473=; no amino-acid change (alanine 473 retained).
Molecular consequence: synonymous variant.
Genome position (GRCh38, 1-based): chr17:4,536,150, C>A. VCF-style: chr17-4536150-C-A. GRCh37 (hg19) VCF-style: chr17-4439445-C-A.
Identifiers: ClinVar variation 4986958 (VCV004986958.1).

ClinVar aggregate classification (germline): Likely benign (1 of 4 stars; one submission).

Conditions:
SPNS2-related disorder. Also called: SPNS2-related condition.

gnomAD v4.1: 8 of 1,612,330 alleles (0.0005%); highest among the groups gnomAD compares: Admixed American, 0.012%; no homozygotes.

Submission:

PreventionGenetics, part of Exact Sciences
Classification: Likely benign for SPNS2-related condition. Last evaluated: 2025-05-07. Review status: criteria provided, single submitter. Criteria: ACMG Guidelines, 2015. Collection method: clinical testing. Allele origin: germline.
Comment: This variant is classified as likely benign based on ACMG/AMP sequence variant interpretation guidelines (Richards et al. 2015 PMID: 25741868, with internal and published modifications).